The following is an entry in ClinVar:

ClinVar aggregate classification (germline): Pathogenic (1 of 4 stars; one submission).

Conditions:
Rubinstein-Taybi syndrome (RSTS). Identifiers: Orphanet 783, MedGen C0035934, MONDO:0019188.

Submission:

Labcorp Genetics (formerly Invitae), Labcorp
Classification: Pathogenic for Rubinstein-Taybi syndrome. Last evaluated: 2017-08-20. Review status: criteria provided, single submitter. Criteria: Invitae Variant Classification Sherloc (09022015). Collection method: clinical testing. Allele origin: germline.
Comment: For these reasons, this variant has been classified as Pathogenic. This sequence change affects a donor splice site in intron 9 of the CREBBP gene. It is expected to disrupt RNA splicing and likely results in an absent or disrupted protein product. Donor and acceptor splice site variants typically lead to a loss of protein function (PMID: 16199547), and loss-of-function variants in CREBBP are known to be pathogenic (PMID: 17052327, 18792986). Algorithms developed to predict the effect of sequence changes on RNA splicing suggest that this variant may disrupt the consensus splice site, but this prediction has not been confirmed by published transcriptional studies. This variant has been reported in an individuals affected with Rubinstein–Taybi syndrome and in one individual it was observed to be de novo (PMID: 18792986, 26788536). This variant is not present in population databases (ExAC no frequency).

Literature cited by the submitters: PubMed 16199547; PubMed 17052327; PubMed 18792986; PubMed 26788536.

NM_004380.3(CREBBP):c.1941+1G>A

Gene: CREBBP (CREB binding lysine acetyltransferase; minus strand). Cytogenetic location: 16p13.3.
Variant type: single nucleotide variant.
Coding change: c.1941+1G>A on transcript NM_004380.3 (MANE Select); the canonical splice donor site of the intron after coding-DNA position 1941, G replaced by A.
Molecular consequence: splice donor variant.
Genome position (GRCh38, 1-based): chr16:3,778,699, C>T on the plus strand (G>A on the coding strand, the complement: CREBBP is on the minus strand). VCF-style: chr16-3778699-C-T. GRCh37 (hg19) VCF-style: chr16-3828700-C-T.
Other names: c.1827+1G>A (NM_001079846.1).
Identifiers: ClinVar variation 527959 (VCV000527959.10), dbSNP rs1555483834, ClinGen allele CA394555078.